The following is an entry in ClinVar:

NM_004006.3(DMD):c.5521G>T (p.Glu1841Ter)

Gene: DMD (dystrophin; minus strand). Cytogenetic location: Xp21.1.
Variant type: single nucleotide variant.
Coding change: c.5521G>T on transcript NM_004006.3 (MANE Select); coding-DNA position 5521, G replaced by T.
Protein change: p.Glu1841Ter; replaces glutamic acid 1841 with a stop codon.
Molecular consequence: nonsense.
Genome position (GRCh38, 1-based): chrX:32,346,008, C>A on the plus strand (G>T on the coding strand, the complement: DMD is on the minus strand). VCF-style: chrX-32346008-C-A. GRCh37 (hg19) VCF-style: chrX-32364125-C-A.
Other names: c.5497G>T, p.Glu1833Ter (NM_000109.4); c.5509G>T, p.Glu1837Ter (NM_004009.3); c.5152G>T, p.Glu1718Ter (NM_004010.3); c.1498G>T, p.Glu500Ter (NM_004011.4); c.1489G>T, p.Glu497Ter (NM_004012.4); short protein forms E1718*, E1833*, E1837*, E1841*, E497*, E500*.
Identifiers: ClinVar variation 989348 (VCV000989348.5), dbSNP rs2097762588, ClinGen allele CA412667352.

ClinVar aggregate classification (germline): Pathogenic (1 of 4 stars; one submission).

Conditions:
Neuromuscular disease caused by qualitative or quantitative defects of dystrophin. Also called: Qualitative or quantitative defects of dystrophin. Identifiers: Orphanet 207085, MedGen C5679787, MONDO:0016147.

Submission:

Illumina Laboratory Services, Illumina
Classification: Pathogenic for Dystrophinopathies. Last evaluated: 2020-05-24. Review status: criteria provided, single submitter. Criteria: ICSLVariantClassificationCriteria RUGD 01 April 2020. Collection method: clinical testing. Allele origin: unknown.
Comment: The DMD c.5521G>T (p.Glu1841Ter) variant is a stop-gained variant that is predicted to result in a premature termination of the protein that has been reported in one study in which it was identified in one individual with Becker muscular dystrophy (Mah et al. 2011). This variant is not found in the Genome Aggregation Database in a region of good sequencing coverage, so the variant is presumed to be rare. Based on the collective evidence and application of the ACMG criteria, the p.Glu1841Ter variant is classified as pathogenic for dystrophinopathies.

Literature cited by the submitters: PubMed 21515508.